The following is an entry in ClinVar:

ClinVar aggregate classification (germline): Uncertain significance. Review status: criteria provided, multiple submitters, no conflicts (2 of 4 stars). 3 submissions from 3 submitters: Uncertain significance (2). 1 of the submissions does not count toward it. Last evaluated 2024-06-12.

Conditions:
Noonan syndrome (NS). Also called: Noonan's syndrome. Identifiers: Orphanet 648, MedGen C0028326, MeSH D009634, MONDO:0018997. Disease mechanism: gain of function.
Fibromatosis, gingival, 1 (GINGF1). Identifiers: Orphanet 2024, MedGen C4551558, MONDO:0007609, OMIM 135300.
Noonan syndrome 4 (NS4). Also called: NOONAN SYNDROME WITH PIGMENTED VILLONODULAR SYNOVITIS; SOS1-Related Noonan Syndrome. Identifiers: Orphanet 648, MedGen C1853120, MONDO:0012547, OMIM 610733.

Allele frequency attached by ClinVar (database versions not stated): gnomAD exomes below 0.00001.
gnomAD v4.1: 2 of 1,613,784 alleles (0.00012%); highest among the groups gnomAD compares: Non-Finnish European, 0.00017%; no homozygotes.

Submissions (3):

Women's Health and Genetics/Laboratory Corporation of America, LabCorp
Classification: Uncertain significance. Last evaluated: 2024-06-12. Review status: criteria provided, single submitter. Criteria: LabCorp Variant Classification Summary - May 2015. Collection method: clinical testing. Allele origin: germline.
Comment: Variant summary: SOS1 c.1391T>C (p.Phe464Ser) results in a non-conservative amino acid change located in the Pleckstrin homology domain (IPR001849) of the encoded protein sequence. Five of five in-silico tools predict a damaging effect of the variant on protein function. The variant was absent in 251106 control chromosomes (gnomAD). The available data on variant occurrences in the general population are insufficient to allow any conclusion about variant significance. To our knowledge, no occurrence of c.1391T>C in individuals affected with Noonan Syndrome and no experimental evidence demonstrating its impact on protein function have been reported in the literature. ClinVar contains an entry for this variant (Variation ID: 981564). Based on the evidence outlined above, the variant was classified as uncertain significance.

Fulgent Genetics
Classification: Uncertain significance for Fibromatosis, gingival, 1; Noonan syndrome 4. Last evaluated: 2024-03-14. Review status: criteria provided, single submitter. Criteria: ACMG Guidelines, 2015. Collection method: clinical testing. Allele origin: germline.

Service de Génétique Moléculaire, Hôpital Robert Debré
Classification: Uncertain significance for Noonan syndrome. Review status: no assertion criteria provided. Collection method: clinical testing. Allele origin: unknown. Affected: yes. Not counted in ClinVar's aggregate classification.

NM_005633.4(SOS1):c.1391T>C (p.Phe464Ser)

Gene: SOS1 (SOS Ras/Rac guanine nucleotide exchange factor 1; minus strand). Cytogenetic location: 2p22.1.
Variant type: single nucleotide variant.
Coding change: c.1391T>C on transcript NM_005633.4 (MANE Select); coding-DNA position 1391, T replaced by C.
Protein change: p.Phe464Ser; replaces phenylalanine 464 with serine.
Molecular consequence: missense variant.
Genome position (GRCh38, 1-based): chr2:39,023,037, A>G on the plus strand (T>C on the coding strand, the complement: SOS1 is on the minus strand). VCF-style: chr2-39023037-A-G. GRCh37 (hg19) VCF-style: chr2-39250178-A-G.
Other names: c.1370T>C, p.Phe457Ser (NM_001382394.1); c.1391T>C, p.Phe464Ser (NM_001382395.1); short protein forms F457S, F464S.
Identifiers: ClinVar variation 981564 (VCV000981564.4), dbSNP rs2529037390, ClinGen allele CA346366281.
Genomic context (GRCh38, chr2:39,023,037, plus strand): 5'-CTAGCACCAGGAAGTCTTGGCTGCCCATGATTTGATTTACAGCAAATCATTAAGCCATCA[A>G]AGAGAAATATGTGTCTCTCATGTTTGGCTCCTACACGTGTAAGAGTTCCTTCCATTATAA-3'
Protein context (NP_005624.2, residues 454-474): GAKHERHIFL[Phe464Ser]DGLMICCKSN